The following is an entry in ClinVar:

NM_001142864.4(PIEZO1):c.3359G>A (p.Arg1120His)

Gene: PIEZO1 (piezo type mechanosensitive ion channel component 1 (Er blood group); minus strand). Cytogenetic location: 16q24.3.
Variant type: single nucleotide variant.
Coding change: c.3359G>A on transcript NM_001142864.4 (MANE Select); coding-DNA position 3359, G replaced by A.
Protein change: p.Arg1120His; replaces arginine 1120 with histidine.
Molecular consequence: missense variant.
Genome position (GRCh38, 1-based): chr16:88,727,135, C>T on the plus strand (G>A on the coding strand, the complement: PIEZO1 is on the minus strand). VCF-style: chr16-88727135-C-T. GRCh37 (hg19) VCF-style: chr16-88793543-C-T.
Other names: c.1901G>A, p.Arg634His (NM_014745.1); short protein forms R1120H, R634H.
Identifiers: ClinVar variation 2662897 (VCV002662897.6), dbSNP rs1019006273, ClinGen allele CA286413969.
Genomic context (GRCh38, chr16:88,727,135, plus strand): 5'-CCCCGCAGCGGCTCCAGGCGGTCGGTGTTGACGCCAGCCATGCGCTGCCACTCCTCTGTG[C>T]GCTCAGCTGAGAACACCTGCCACTGCTGGGAGGCGCACAGCAGCAGGAGAAAGTCGCCTG-3'
Protein context (NP_001136336.2, residues 1110-1130): SQQWQVFSAE[Arg1120His]TEEWQRMAGV

ClinVar aggregate classification (germline): Uncertain significance. Review status: criteria provided, multiple submitters, no conflicts (2 of 4 stars). 5 submissions from 5 submitters: Uncertain significance (5). Last evaluated 2025-12-09.

Conditions:
Dehydrated hereditary stomatocytosis with or without pseudohyperkalemia and/or perinatal edema (DHS1). Also called: PSEUDOHYPERKALEMIA EDINBURGH; DEHYDRATED HEREDITARY STOMATOCYTOSIS AND PSEUDOHYPERKALEMIA; DEHYDRATED HEREDITARY STOMATOCYTOSIS WITH PSEUDOHYPERKALEMIA AND PERINATAL EDEMA; Pseudohyperkalemia, familial, 1, due to red cell leak; Dehydrated hereditary stomatocytosis 1 with or without pseudohyperkalemia and/or perinatal edema. Identifiers: Orphanet 3202, MedGen C4551512, MONDO:0008689, OMIM 194380.
Inborn genetic diseases. Identifiers: MedGen C0950123, MeSH D030342.

Allele frequency attached by ClinVar (database versions not stated): TOPMed 0.00003.

Submissions (5):

GeneDx
Classification: Uncertain significance. Last evaluated: 2025-12-09. Review status: criteria provided, single submitter. Criteria: GeneDx Variant Classification Process June 2021. Collection method: clinical testing. Allele origin: germline.
Comment: In silico analysis suggests that this missense variant does not alter protein structure/function; Has not been previously published as pathogenic or benign to our knowledge

Dasa
Classification: Uncertain significance for Dehydrated hereditary stomatocytosis with or without pseudohyperkalemia and/or perinatal edema. Last evaluated: 2025-10-31. Review status: criteria provided, single submitter. Criteria: DASA Assertion Criteria. Collection method: clinical testing. Allele origin: germline.
Comment: NM_001142864.4(PIEZO1):c.3359G>A (p.Arg1120His) is a missense variant that results in the substitution of arginine with histidine. This variant is rare in population databases. Computational prediction algorithms are consistent with a benign effect. The currently available literature and clinical evidence are not sufficient to establish a definitive association between this variant and the reported condition. Therefore, this variant is classified as a variant of uncertain significance.

Ambry Genetics
Classification: Uncertain significance for Inborn genetic diseases. Last evaluated: 2024-10-04. Review status: criteria provided, single submitter. Criteria: Ambry Variant Classification Scheme 2023. Collection method: clinical testing. Allele origin: germline.

ARUP Laboratories, Molecular Genetics and Genomics, ARUP Laboratories
Classification: Uncertain significance. Last evaluated: 2024-06-24. Review status: criteria provided, single submitter. Criteria: ARUP Molecular Germline Variant Investigation Process 2024. Collection method: clinical testing. Allele origin: germline.

Revvity Omics, Revvity
Classification: Uncertain significance. Last evaluated: 2024-04-25. Review status: criteria provided, single submitter. Criteria: ACMG Guidelines, 2015. Collection method: clinical testing. Allele origin: germline.